The following is an entry in ClinVar:

NM_005589.4(ALDH6A1):c.*1006C>T

Genes: BBOF1 (basal body orientation factor 1; plus strand), ALDH6A1 (aldehyde dehydrogenase 6 family member A1; minus strand). Cytogenetic location: 14q24.3.
Variant type: single nucleotide variant.
Coding change: c.*1006C>T on transcript NM_005589.4 (MANE Select); 1006 bases downstream of the stop codon, C replaced by T.
Molecular consequence: 3 prime UTR variant. On other transcripts: intron variant (1).
Genome position (GRCh38, 1-based): chr14:74,059,636, G>A on the plus strand (C>T on the coding strand, the complement: ALDH6A1 is on the minus strand). VCF-style: chr14-74059636-G-A. GRCh37 (hg19) VCF-style: chr14-74526339-G-A.
Other names: c.*1006C>T (NM_001278593.2, NM_001278594.2); c.1578+2378G>A (NM_025057.3).
Identifiers: ClinVar variation 888080 (VCV000888080.4), dbSNP rs146605362, ClinGen allele CA263534208.

ClinVar aggregate classification (germline): Benign (1 of 4 stars; one submission).

Conditions:
Methylmalonate semialdehyde dehydrogenase deficiency (MMSDHD). Also called: MMSDH DEFICIENCY. Identifiers: Orphanet 289307, MedGen C3279840, MONDO:0013579, OMIM 614105.

Allele frequency attached by ClinVar (database versions not stated): gnomAD exomes 0.00096; gnomAD 0.00910 and 0.00981; TOPMed 0.01055; 1000 Genomes Project 0.01118; 1000 Genomes Project 30x 0.01249.
gnomAD v4.1: 1,448 of 231,962 alleles (0.62%); highest among the groups gnomAD compares: African/African-American, 3.1%; 22 homozygotes.

Submission:

Illumina Laboratory Services, Illumina
Classification: Benign for Methylmalonate semialdehyde dehydrogenase deficiency. Last evaluated: 2018-01-13. Review status: criteria provided, single submitter. Criteria: ICSL Variant Classification Criteria 13 December 2019. Collection method: clinical testing. Allele origin: germline.
Comment: This variant was observed in the ICSL laboratory as part of a predisposition screen in an ostensibly healthy population. It had not been previously curated by ICSL or reported in the Human Gene Mutation Database (HGMD: prior to June 1st, 2018), and was therefore a candidate for classification through an automated scoring system. Utilizing variant allele frequency, disease prevalence and penetrance estimates, and inheritance mode, an automated score was calculated to assess if this variant is too frequent to cause the disease. Based on the score and internal cut-off values, a variant classified as benign is not then subjected to further curation. The score for this variant resulted in a classification of benign for this disease.